The following is an entry in ClinVar:

NM_000075.4(CDK4):c.193G>A (p.Ala65Thr)

Genes: CDK4 (cyclin dependent kinase 4; minus strand), LOC130008148 (ATAC-STARR-seq lymphoblastoid silent region 4588; plus strand). Cytogenetic location: 12q14.1.
Variant type: single nucleotide variant.
Coding change: c.193G>A on transcript NM_000075.4 (MANE Select); coding-DNA position 193, G replaced by A.
Protein change: p.Ala65Thr; replaces alanine 65 with threonine.
Molecular consequence: missense variant.
Genome position (GRCh38, 1-based): chr12:57,751,525, C>T on the plus strand (G>A on the coding strand, the complement: CDK4 is on the minus strand). VCF-style: chr12-57751525-C-T. GRCh37 (hg19) VCF-style: chr12-58145308-C-T.
Other names: short protein forms A65T.
Identifiers: ClinVar variation 820373 (VCV000820373.4), dbSNP rs1595110976, ClinGen allele CA385548528.

ClinVar aggregate classification (germline): Uncertain significance (1 of 4 stars; one submission).

Conditions:
Hereditary cancer-predisposing syndrome. Also called: Neoplastic Syndromes, Hereditary; Tumor predisposition; Hereditary Cancer Syndrome; Hereditary neoplastic syndrome. Identifiers: Orphanet 140162, MedGen C0027672, MeSH D009386, MONDO:0015356.

Submission:

Ambry Genetics
Classification: Uncertain significance for Hereditary cancer-predisposing syndrome. Last evaluated: 2022-10-28. Review status: criteria provided, single submitter. Criteria: Ambry Variant Classification Scheme 2023. Collection method: clinical testing. Allele origin: germline.
Comment: The p.A65T variant (also known as c.193G>A), located in coding exon 1 of the CDK4 gene, results from a G to A substitution at nucleotide position 193. The alanine at codon 65 is replaced by threonine, an amino acid with similar properties. This amino acid position is not well conserved in available vertebrate species. In addition, this alteration is predicted to be tolerated by in silico analysis. Since supporting evidence is limited at this time, the clinical significance of this alteration remains unclear.